The following is an entry in ClinVar:

ClinVar aggregate classification (germline): Pathogenic (1 of 4 stars; one submission).

Allele frequency attached by ClinVar (database versions not stated): ExAC 0.00002; ESP Exome Variant Server 0.00008; gnomAD 0.00003; TOPMed 0.00003.
gnomAD v4.1: 20 of 1,614,022 alleles (0.0012%); highest among the groups gnomAD compares: East Asian, 0.0045%; no homozygotes.

Submission:

Labcorp Genetics (formerly Invitae), Labcorp
Classification: Pathogenic. Last evaluated: 2022-03-13. Review status: criteria provided, single submitter. Criteria: Invitae Variant Classification Sherloc (09022015). Collection method: clinical testing. Allele origin: germline.
Comment: For these reasons, this variant has been classified as Pathogenic. Algorithms developed to predict the effect of missense changes on protein structure and function (SIFT, PolyPhen-2, Align-GVGD) all suggest that this variant is likely to be disruptive. This variant disrupts the p.Arg416 amino acid residue in TRPV3. Other variant(s) that disrupt this residue have been observed in individuals with TRPV3-related conditions (PMID: 32795529), which suggests that this may be a clinically significant amino acid residue. This sequence change replaces arginine, which is basic and polar, with tryptophan, which is neutral and slightly polar, at codon 416 of the TRPV3 protein (p.Arg416Trp). This missense change has been observed in individual(s) with Olmsted syndrome (PMID: 32783137, 32795529). In at least one individual the variant was observed to be de novo. This variant is present in population databases (rs372767436, gnomAD 0.006%).

Literature cited by the submitters: PubMed 32795529; PubMed 32783137.

NM_145068.4(TRPV3):c.1246C>T (p.Arg416Trp)

Gene: TRPV3 (transient receptor potential cation channel subfamily V member 3; minus strand). Cytogenetic location: 17p13.2.
Variant type: single nucleotide variant.
Coding change: c.1246C>T on transcript NM_145068.4 (MANE Select); coding-DNA position 1246, C replaced by T.
Protein change: p.Arg416Trp; replaces arginine 416 with tryptophan.
Molecular consequence: missense variant.
Genome position (GRCh38, 1-based): chr17:3,528,992, G>A on the plus strand (C>T on the coding strand, the complement: TRPV3 is on the minus strand). VCF-style: chr17-3528992-G-A. GRCh37 (hg19) VCF-style: chr17-3432286-G-A.
Other names: c.1246C>T, p.Arg416Trp (NM_001258205.2); short protein forms R416W.
Identifiers: ClinVar variation 2079284 (VCV002079284.4), dbSNP rs372767436, ClinGen allele CA8289532.